The following is an entry in ClinVar:

ClinVar aggregate classification (germline): Uncertain significance (1 of 4 stars; one submission).

Conditions:
Leigh syndrome (NULS). Also called: Leigh's necrotizing encephalopathy; Leigh's disease; Leigh Syndrome (mtDNA deletion); Leigh Disease; Subacute necrotizing encephalopathy; Necrotizing encephalopathy infantile subacute of Leigh. Identifiers: Orphanet 506, MedGen C2931891, MONDO:0009723, OMIM 256000.

Submission:

Wong Mito Lab, Molecular and Human Genetics, Baylor College of Medicine
Classification: Uncertain significance for Leigh syndrome. Last evaluated: 2019-10-17. Review status: criteria provided, single submitter. Criteria: Modified ACMG Guidelines (Unpublished). Collection method: clinical testing. Allele origin: germline.
Comment: The NC_012920.1:m.3712G>A (YP_003024026.1:p.Val136Met) variant in MTND1 gene is interpretated to be a Uncertain Significance variant based on the modified ACMG guidelines (unpublished). This variant meets the following evidence codes: BS4, PP7

NC_012920.1(MT-ND1):m.3712G>A

Gene: MT-ND1 (mitochondrially encoded NADH dehydrogenase 1; plus strand).
Variant type: single nucleotide variant.
Genome position: chrM-3712-G-A.
Identifiers: ClinVar variation 692390 (VCV000692390.1), dbSNP rs1603219095, ClinGen allele CA414773354.